The following is an entry in ClinVar:

ClinVar aggregate classification (germline): Uncertain significance (1 of 4 stars; one submission).

Conditions:
Peroxisome biogenesis disorder, complementation group 7 (CG7). Also called: Peroxisome biogenesis disorder, complementation group B. Identifiers: MedGen C1864399.

Allele frequency attached by ClinVar (database versions not stated): gnomAD exomes below 0.00001.
gnomAD v4.1: 1 of 1,610,780 alleles (0.000062%); highest among the groups gnomAD compares: Non-Finnish European, 0.000085%; no homozygotes.

Submission:

Labcorp Genetics (formerly Invitae), Labcorp
Classification: Uncertain significance for Peroxisome biogenesis disorder, complementation group 7. Last evaluated: 2022-01-26. Review status: criteria provided, single submitter. Criteria: Invitae Variant Classification Sherloc (09022015). Collection method: clinical testing. Allele origin: germline.
Comment: This variant has not been reported in the literature in individuals affected with PEX10-related conditions. This variant is not present in population databases (gnomAD no frequency). This sequence change replaces serine, which is neutral and polar, with leucine, which is neutral and non-polar, at codon 139 of the PEX10 protein (p.Ser139Leu). Algorithms developed to predict the effect of missense changes on protein structure and function (SIFT, PolyPhen-2, Align-GVGD) all suggest that this variant is likely to be tolerated. In summary, the available evidence is currently insufficient to determine the role of this variant in disease. Therefore, it has been classified as a Variant of Uncertain Significance.

NM_002617.4(PEX10):c.416C>T (p.Ser139Leu)

Gene: PEX10 (peroxisomal biogenesis factor 10; minus strand). Cytogenetic location: 1p36.32.
Variant type: single nucleotide variant.
Coding change: c.416C>T on transcript NM_002617.4 (MANE Select); coding-DNA position 416, C replaced by T.
Protein change: p.Ser139Leu; replaces serine 139 with leucine.
Molecular consequence: missense variant. On other transcripts: 5 prime UTR variant (2), non-coding transcript variant (1).
Genome position (GRCh38, 1-based): chr1:2,408,636, G>A on the plus strand (C>T on the coding strand, the complement: PEX10 is on the minus strand). VCF-style: chr1-2408636-G-A. GRCh37 (hg19) VCF-style: chr1-2340075-G-A.
Other names: c.416C>T, p.Ser139Leu (NM_001374425.1, NM_153818.2); c.-17C>T (NM_001374426.1, NM_001374427.1); short protein forms S139L.
Identifiers: ClinVar variation 2064240 (VCV002064240.4), dbSNP rs2522277680, ClinGen allele CA337987995.